The following is an entry in ClinVar:

ClinVar aggregate classification (germline): Uncertain significance. Review status: criteria provided, multiple submitters, no conflicts (2 of 4 stars). 2 submissions from 2 submitters: Uncertain significance (2). Last evaluated 2024-01-15.

Allele frequency attached by ClinVar (database versions not stated): gnomAD 0.00001; gnomAD exomes 0.00001 and 0.00003; TOPMed 0.00001; ExAC 0.00003.
gnomAD v4.1: 38 of 1,608,190 alleles (0.0024%); highest among the groups gnomAD compares: South Asian, 0.0055%; no homozygotes.

Submissions (2):

Labcorp Genetics (formerly Invitae), Labcorp
Classification: Uncertain significance. Last evaluated: 2024-01-15. Review status: criteria provided, single submitter. Criteria: Invitae Variant Classification Sherloc (09022015). Collection method: clinical testing. Allele origin: germline.
Comment: This sequence change replaces glycine, which is neutral and non-polar, with serine, which is neutral and polar, at codon 376 of the CAPN5 protein (p.Gly376Ser). This variant is present in population databases (rs781792601, gnomAD 0.007%). This missense change has been observed in individual(s) with autosomal dominant neovascular inflammatory vitreoretinopahy (PMID: 29040051). ClinVar contains an entry for this variant (Variation ID: 1406883). Advanced modeling of protein sequence and biophysical properties (such as structural, functional, and spatial information, amino acid conservation, physicochemical variation, residue mobility, and thermodynamic stability) performed at Invitae indicates that this missense variant is expected to disrupt CAPN5 protein function with a positive predictive value of 80%. In summary, the available evidence is currently insufficient to determine the role of this variant in disease. Therefore, it has been classified as a Variant of Uncertain Significance.

Blueprint Genetics
Classification: Uncertain significance. Last evaluated: 2023-06-21. Review status: criteria provided, single submitter. Criteria: ACMG Guidelines, 2015. Collection method: clinical testing. Allele origin: germline.

Literature cited by the submitters: PubMed 29040051 (cited by Labcorp Genetics (formerly Invitae), Labcorp).

NM_004055.5(CAPN5):c.1126G>A (p.Gly376Ser)

Gene: CAPN5 (calpain 5; plus strand). Cytogenetic location: 11q13.5.
Variant type: single nucleotide variant.
Coding change: c.1126G>A on transcript NM_004055.5 (MANE Select); coding-DNA position 1126, G replaced by A.
Protein change: p.Gly376Ser; replaces glycine 376 with serine.
Molecular consequence: missense variant.
Genome position (GRCh38, 1-based): chr11:77,118,311, G>A. VCF-style: chr11-77118311-G-A. GRCh37 (hg19) VCF-style: chr11-76829357-G-A.
Other names: short protein forms G376S.
Identifiers: ClinVar variation 1406883 (VCV001406883.9), dbSNP rs781792601, ClinGen allele CA6196694.